The following is an entry in ClinVar:

ClinVar aggregate classification (germline): Uncertain significance (1 of 4 stars; one submission).

Conditions:
Giant axonal neuropathy 1 (GAN1). Also called: GIANT AXONAL NEUROPATHY 1, AUTOSOMAL RECESSIVE; GAN-Related Neurodegeneration. Identifiers: Orphanet 643, MedGen C1850386, MONDO:0009749, OMIM 256850.

Submission:

Labcorp Genetics (formerly Invitae), Labcorp
Classification: Uncertain significance for Giant axonal neuropathy 1. Last evaluated: 2025-02-05. Review status: criteria provided, single submitter. Criteria: Invitae Variant Classification Sherloc (09022015). Collection method: clinical testing. Allele origin: germline.
Comment: This sequence change replaces glycine, which is neutral and non-polar, with serine, which is neutral and polar, at codon 4 of the GAN protein (p.Gly4Ser). This variant is not present in population databases (gnomAD no frequency). This variant has not been reported in the literature in individuals affected with GAN-related conditions. ClinVar contains an entry for this variant (Variation ID: 1375626). An algorithm developed to predict the effect of missense changes on protein structure and function (PolyPhen-2) suggests that this variant is likely to be tolerated. In summary, the available evidence is currently insufficient to determine the role of this variant in disease. Therefore, it has been classified as a Variant of Uncertain Significance.

NM_022041.4(GAN):c.10G>A (p.Gly4Ser)

Genes: GAN (gigaxonin; plus strand), LOC130059498 (ATAC-STARR-seq lymphoblastoid silent region 7753; plus strand). Cytogenetic location: 16q23.2.
Variant type: single nucleotide variant.
Coding change: c.10G>A on transcript NM_022041.4 (MANE Select); coding-DNA position 10, G replaced by A.
Protein change: p.Gly4Ser; replaces glycine 4 with serine.
Molecular consequence: missense variant. On other transcripts: 5 prime UTR variant (1).
Genome position (GRCh38, 1-based): chr16:81,315,123, G>A. VCF-style: chr16-81315123-G-A. GRCh37 (hg19) VCF-style: chr16-81348728-G-A.
Other names: c.-515G>A (NM_001377486.1); short protein forms G4S.
Identifiers: ClinVar variation 1375626 (VCV001375626.8), dbSNP rs1908984034, ClinGen allele CA396854276.